The following is an entry in ClinVar:

NM_178857.6(RP1L1):c.1072G>A (p.Val358Ile)

Gene: RP1L1 (RP1 like 1). Cytogenetic location: 8p23.1.
Variant type: single nucleotide variant.
Coding change: c.1072G>A on transcript NM_178857.6 (MANE Select); coding-DNA position 1072, G replaced by A.
Protein change: p.Val358Ile; replaces valine 358 with isoleucine.
Molecular consequence: missense variant.
Genome position (GRCh38, 1-based): chr8:10,613,026, C>T on the plus strand (G>A on the coding strand, the complement: RP1L1 is on the minus strand). VCF-style: chr8-10613026-C-T. GRCh37 (hg19) VCF-style: chr8-10470536-C-T.
Other names: short protein forms V358I.
Identifiers: ClinVar variation 2530089 (VCV002530089.3), dbSNP rs369667634, ClinGen allele CA4625326.

ClinVar aggregate classification (germline): Likely benign. Review status: criteria provided, single submitter (1 of 4 stars). 2 submissions from 2 submitters: Likely benign (1). 1 of the submissions does not count toward it. Last evaluated 2023-03-27.

Conditions:
Inborn genetic diseases. Identifiers: MedGen C0950123, MeSH D030342.
RP1L1-related disorder. Also called: RP1L1-related condition.

Allele frequency attached by ClinVar (database versions not stated): gnomAD exomes 0.00005; ExAC 0.00007; ESP Exome Variant Server 0.00032.
gnomAD v4.1: 89 of 1,613,434 alleles (0.0055%); highest among the groups gnomAD compares: Middle Eastern, 0.016%; 1 homozygote.

Submissions (2):

Ambry Genetics
Classification: Likely benign for Inborn genetic diseases. Last evaluated: 2023-03-27. Review status: criteria provided, single submitter. Criteria: Ambry Variant Classification Scheme 2023. Collection method: clinical testing. Allele origin: germline.

PreventionGenetics, part of Exact Sciences
Classification: Uncertain significance for RP1L1-related condition. Last evaluated: 2024-08-19. Review status: no assertion criteria provided. Collection method: clinical testing. Allele origin: germline. Not counted in ClinVar's aggregate classification.
Comment: The RP1L1 c.1072G>A variant is predicted to result in the amino acid substitution p.Val358Ile. To our knowledge, this variant has not been reported in the literature. This variant is reported in 0.026% of alleles in individuals of East Asian descent in gnomAD. At this time, the clinical significance of this variant is uncertain due to the absence of conclusive functional and genetic evidence.